The following is an entry in ClinVar:

NM_004990.4(MARS1):c.874G>C (p.Asp292His)

Gene: MARS1 (methionyl-tRNA synthetase 1; plus strand). Cytogenetic location: 12q13.3.
Variant type: single nucleotide variant.
Coding change: c.874G>C on transcript NM_004990.4 (MANE Select); coding-DNA position 874, G replaced by C.
Protein change: p.Asp292His; replaces aspartic acid 292 with histidine.
Molecular consequence: missense variant.
Genome position (GRCh38, 1-based): chr12:57,498,260, G>C. VCF-style: chr12-57498260-G-C. GRCh37 (hg19) VCF-style: chr12-57892043-G-C.
Other names: short protein forms D292H.
Identifiers: ClinVar variation 2933170 (VCV002933170.3), dbSNP rs566515023, ClinGen allele CA385454959.
Genomic context (GRCh38, chr12:57,498,260, plus strand): 5'-CTCCCTTACGTCAACAATGTCCCCCACCTTGGGAACATCATTGGTTGTGTGCTCAGTGCC[G>C]ATGTCTTTGCCAGGTGGAGCCAGCTGCTCGGGGAGAGACCTCCTAAGGGAAGGGCGGGTC-3'
Protein context (NP_004981.2, residues 282-302): GNIIGCVLSA[Asp292His]VFARYSRLRQ

ClinVar aggregate classification (germline): Uncertain significance (1 of 4 stars; one submission).

Conditions:
Charcot-Marie-Tooth disease axonal type 2U. Also called: CHARCOT-MARIE-TOOTH NEUROPATHY, TYPE 2U; CHARCOT-MARIE-TOOTH DISEASE, AXONAL, AUTOSOMAL DOMINANT, TYPE 2U. Identifiers: Orphanet 397735, MedGen C4084821, MONDO:0014566, OMIM 616280.
Severe early-onset pulmonary alveolar proteinosis due to MARS deficiency. Also called: PULMONARY ALVEOLAR PROTEINOSIS, REUNION ISLAND; Interstitial lung and liver disease. Identifiers: Orphanet 440427, MedGen C4225400, MONDO:0014206, OMIM 615486.

Submission:

Labcorp Genetics (formerly Invitae), Labcorp
Classification: Uncertain significance for Charcot-Marie-Tooth disease axonal type 2U; Severe early-onset pulmonary alveolar proteinosis due to MARS deficiency. Last evaluated: 2023-07-14. Review status: criteria provided, single submitter. Criteria: Invitae Variant Classification Sherloc (09022015). Collection method: clinical testing. Allele origin: germline.
Comment: In summary, the available evidence is currently insufficient to determine the role of this variant in disease. Therefore, it has been classified as a Variant of Uncertain Significance. An algorithm developed to predict the effect of missense changes on protein structure and function (PolyPhen-2) suggests that this variant is likely to be disruptive. This variant has not been reported in the literature in individuals affected with MARS-related conditions. This variant is not present in population databases (gnomAD no frequency). This sequence change replaces aspartic acid, which is acidic and polar, with histidine, which is basic and polar, at codon 292 of the MARS protein (p.Asp292His).